The following is an entry in ClinVar:

ClinVar aggregate classification (germline): Likely benign. Review status: criteria provided, multiple submitters, no conflicts (2 of 4 stars). 3 submissions from 3 submitters: Likely benign (2). 1 of the submissions does not count toward it. Last evaluated 2023-10-31.

Conditions:
BDP1-related disorder. Also called: BDP1-related condition.

Allele frequency attached by ClinVar (database versions not stated): 1000 Genomes Project 30x 0.00016; 1000 Genomes Project 0.00020; ESP Exome Variant Server 0.00033; TOPMed 0.00040; gnomAD 0.00048 and 0.00051; gnomAD exomes 0.00091.
gnomAD v4.1: 1,380 of 1,613,996 alleles (0.086%); highest among the groups gnomAD compares: Non-Finnish European, 0.1%; 2 homozygotes.

Submissions (3):

Blueprint Genetics
Classification: Likely benign. Last evaluated: 2023-10-31. Review status: criteria provided, single submitter. Criteria: ACMG Guidelines, 2015. Collection method: clinical testing. Allele origin: germline.

GeneDx
Classification: Likely benign. Last evaluated: 2020-08-12. Review status: criteria provided, single submitter. Criteria: GeneDx Variant Classification Process June 2021. Collection method: clinical testing. Allele origin: germline. Affected: yes.

PreventionGenetics, part of Exact Sciences
Classification: Likely benign for BDP1-related condition. Last evaluated: 2019-08-20. Review status: no assertion criteria provided. Collection method: clinical testing. Allele origin: germline. Not counted in ClinVar's aggregate classification.
Comment: This variant is classified as likely benign based on ACMG/AMP sequence variant interpretation guidelines (Richards et al. 2015 PMID: 25741868, with internal and published modifications).

NM_018429.3(BDP1):c.2190A>G (p.Glu730=)

Gene: BDP1 (BDP1 general transcription factor IIIB subunit; plus strand). Cytogenetic location: 5q13.2.
Variant type: single nucleotide variant.
Coding change: c.2190A>G on transcript NM_018429.3 (MANE Select); coding-DNA position 2190, A replaced by G.
Protein change: p.Glu730=; no amino-acid change (glutamic acid 730 retained).
Molecular consequence: synonymous variant.
Genome position (GRCh38, 1-based): chr5:71,502,740, A>G. VCF-style: chr5-71502740-A-G. GRCh37 (hg19) VCF-style: chr5-70798567-A-G.
Identifiers: ClinVar variation 513992 (VCV000513992.7), dbSNP rs200662172, ClinGen allele CA3296201.